The following is an entry in ClinVar:

NM_006929.5(SKIC2):c.1255T>C (p.Trp419Arg)

Genes: SKIC2 (SKI2 subunit of superkiller complex; plus strand), LOC126859653 (CDK7 strongly-dependent group 2 enhancer GRCh37_chr6:31929542-31930741; plus strand). Cytogenetic location: 6p21.33.
Variant type: single nucleotide variant.
Coding change: c.1255T>C on transcript NM_006929.5 (MANE Select); coding-DNA position 1255, T replaced by C.
Protein change: p.Trp419Arg; replaces tryptophan 419 with arginine.
Molecular consequence: missense variant.
Genome position (GRCh38, 1-based): chr6:31,962,757, T>C. VCF-style: chr6-31962757-T-C. GRCh37 (hg19) VCF-style: chr6-31930534-T-C.
Other names: short protein forms W419R.
Identifiers: ClinVar variation 1676013 (VCV001676013.33), dbSNP rs773462911, ClinGen allele CA3729406.

ClinVar aggregate classification (germline): Uncertain significance (1 of 4 stars; one submission).

Allele frequency attached by ClinVar (database versions not stated): TOPMed below 0.00001; gnomAD 0.00001; gnomAD exomes 0.00001; ExAC 0.00002.
gnomAD v4.1: 13 of 1,612,488 alleles (0.00081%); highest among the groups gnomAD compares: Admixed American, 0.0017%; no homozygotes.

Submission:

CeGaT Center for Human Genetics Tuebingen
Classification: Uncertain significance. Last evaluated: 2022-03-01. Review status: criteria provided, single submitter. Criteria: CeGaT Center For Human Genetics Tuebingen Variant Classification Criteria Version 2. Collection method: clinical testing. Allele origin: germline. Affected: yes. Observed: 1 variant allele.
Comment: SKIC2: PM2